The following is an entry in ClinVar:

NM_024334.3(TMEM43):c.362T>C (p.Met121Thr)

Gene: TMEM43 (transmembrane protein 43; plus strand). Cytogenetic location: 3p25.1.
Variant type: single nucleotide variant.
Coding change: c.362T>C on transcript NM_024334.3 (MANE Select); coding-DNA position 362, T replaced by C.
Protein change: p.Met121Thr; replaces methionine 121 with threonine.
Molecular consequence: missense variant.
Genome position (GRCh38, 1-based): chr3:14,131,644, T>C. VCF-style: chr3-14131644-T-C. GRCh37 (hg19) VCF-style: chr3-14173144-T-C.
Other names: short protein forms M121T.
Identifiers: ClinVar variation 921545 (VCV000921545.7), dbSNP rs1286177938, ClinGen allele CA351534887.
Genomic context (GRCh38, chr3:14,131,644, plus strand): 5'-TGTCTGATCCAAACTATGGGGTCCATCTTCCGGCTGTGAAACTGCGGAGGCACGTGGAGA[T>C]GTACCAATGGGTAGAAACTGAGGAGTCCAGGTGAGCTGTTGGGGTGAAAACTCTGTTGGG-3'
Protein context (NP_077310.1, residues 111-131): PAVKLRRHVE[Met121Thr]YQWVETEESR

ClinVar aggregate classification (germline): Uncertain significance. Review status: criteria provided, multiple submitters, no conflicts (2 of 4 stars). 2 submissions from 2 submitters: Uncertain significance (2). Last evaluated 2024-03-11.

Conditions:
Cardiomyopathy (CMYO). Also called: Cardiomyopathies. Identifiers: Orphanet 167848, MedGen C0878544, MONDO:0004994, HP:0001638. Inheritance: Various modes of inheritance.
Arrhythmogenic right ventricular dysplasia 5. Also called: Arrhythmogenic Right Ventricular Dysplasia/Cardiomyopathy 5; ARRHYTHMOGENIC RIGHT VENTRICULAR DYSPLASIA, FAMILIAL, 5. Identifiers: MedGen C1858379, MONDO:0011459, OMIM 604400.

Allele frequency attached by ClinVar (database versions not stated): TOPMed below 0.00001.

Submissions (2):

Labcorp Genetics (formerly Invitae), Labcorp
Classification: Uncertain significance for Arrhythmogenic right ventricular dysplasia 5. Last evaluated: 2024-03-11. Review status: criteria provided, single submitter. Criteria: Invitae Variant Classification Sherloc (09022015). Collection method: clinical testing. Allele origin: germline.
Comment: This sequence change replaces methionine, which is neutral and non-polar, with threonine, which is neutral and polar, at codon 121 of the TMEM43 protein (p.Met121Thr). This variant is not present in population databases (gnomAD no frequency). This variant has not been reported in the literature in individuals affected with TMEM43-related conditions. ClinVar contains an entry for this variant (Variation ID: 921545). Advanced modeling of protein sequence and biophysical properties (such as structural, functional, and spatial information, amino acid conservation, physicochemical variation, residue mobility, and thermodynamic stability) has been performed at Invitae for this missense variant, however the output from this modeling did not meet the statistical confidence thresholds required to predict the impact of this variant on TMEM43 protein function. In summary, the available evidence is currently insufficient to determine the role of this variant in disease. Therefore, it has been classified as a Variant of Uncertain Significance.

Color Diagnostics, LLC DBA Color Health
Classification: Uncertain significance for Cardiomyopathy. Last evaluated: 2024-03-06. Review status: criteria provided, single submitter. Criteria: ACMG Guidelines, 2015. Collection method: clinical testing. Allele origin: germline.
Comment: This missense variant replaces methionine with threonine at codon 121 of the TMEM43 protein. Computational prediction tool suggests that this variant may have deleterious impact on protein structure and function (internally defined REVEL score threshold >=0.7, PMID: 27666373). Splice site prediction tools suggest that this variant may not impact RNA splicing. To our knowledge, functional studies have not been performed for this variant. This variant has not been reported in individuals affected with cardiovascular disorders in the literature. This variant has not been identified in the general population by the Genome Aggregation Database (gnomAD). The available evidence is insufficient to determine the role of this variant in disease conclusively. Therefore, this variant is classified as a Variant of Uncertain Significance.